The following is an entry in ClinVar:

NM_001184.4(ATR):c.4957C>T (p.Arg1653Ter)

Gene: ATR (ATR checkpoint kinase; minus strand). Cytogenetic location: 3q23.
Variant type: single nucleotide variant.
Coding change: c.4957C>T on transcript NM_001184.4 (MANE Select); coding-DNA position 4957, C replaced by T.
Protein change: p.Arg1653Ter; replaces arginine 1653 with a stop codon.
Molecular consequence: nonsense.
Genome position (GRCh38, 1-based): chr3:142,508,005, G>A on the plus strand (C>T on the coding strand, the complement: ATR is on the minus strand). VCF-style: chr3-142508005-G-A. GRCh37 (hg19) VCF-style: chr3-142226847-G-A.
Other names: c.4765C>T, p.Arg1589Ter (NM_001354579.2); short protein forms R1653*, R1589*.
Identifiers: ClinVar variation 224559 (VCV000224559.7), dbSNP rs778813551, ClinGen allele CA351206.

ClinVar aggregate classification (germline): Pathogenic/Likely pathogenic. Review status: criteria provided, multiple submitters, no conflicts (2 of 4 stars). 4 submissions from 4 submitters: Pathogenic (1); Likely pathogenic (2). 1 of the submissions does not count toward it. Last evaluated 2025-06-02.

Conditions:
Hereditary cancer-predisposing syndrome. Also called: Tumor predisposition; Neoplastic Syndromes, Hereditary; Hereditary Cancer Syndrome; Hereditary neoplastic syndrome. Identifiers: Orphanet 140162, MedGen C0027672, MeSH D009386, MONDO:0015356.
Familial cutaneous telangiectasia and oropharyngeal predisposition cancer syndrome. Identifiers: Orphanet 313846, MedGen C3281203, MONDO:0013806, OMIM 614564.
Seckel syndrome 1 (SCKL1). Also called: MICROCEPHALIC PRIMORDIAL DWARFISM I. Identifiers: Orphanet 808, MedGen C4551474, MONDO:0008869, OMIM 210600.
ATR-related disorder. Also called: ATR-related condition.

Allele frequency attached by ClinVar (database versions not stated): gnomAD exomes 0.00001; ExAC 0.00002.

Submissions (4):

Labcorp Genetics (formerly Invitae), Labcorp
Classification: Pathogenic. Last evaluated: 2025-06-02. Review status: criteria provided, single submitter. Criteria: Invitae Variant Classification Sherloc (09022015). Collection method: clinical testing. Allele origin: germline.
Comment: This sequence change creates a premature translational stop signal (p.Arg1653*) in the ATR gene. It is expected to result in an absent or disrupted protein product. Loss-of-function variants in ATR are known to be pathogenic (PMID: 21228398, 23144622). This variant is present in population databases (rs778813551, gnomAD 0.007%). This premature translational stop signal has been observed in individual(s) with prostate cancer (PMID: 27084275). ClinVar contains an entry for this variant (Variation ID: 224559). Algorithms developed to predict the effect of sequence changes on RNA splicing suggest that this variant may disrupt the consensus splice site. For these reasons, this variant has been classified as Pathogenic.

Blueprint Genetics
Classification: Likely pathogenic for ATR-related disorders. Last evaluated: 2024-04-08. Review status: criteria provided, single submitter. Criteria: ACMG Guidelines, 2015. Collection method: clinical testing. Allele origin: germline. Affected: yes. Observed: 1 variant allele.

Fulgent Genetics
Classification: Likely pathogenic for Seckel syndrome 1; Familial cutaneous telangiectasia and oropharyngeal predisposition cancer syndrome. Last evaluated: 2024-02-01. Review status: criteria provided, single submitter. Criteria: ACMG Guidelines, 2015. Collection method: clinical testing. Allele origin: germline.

University of Washington Department of Laboratory Medicine, University of Washington
Classification: Uncertain significance for Hereditary cancer-predisposing syndrome. Last evaluated: 2015-11-20. Review status: flagged submission. Criteria: Shirts et al. (Genet Med 2016). Collection method: clinical testing. Allele origin: germline. Observed: 1 variant allele. Not counted in ClinVar's aggregate classification.
ClinVar note: Reason: Older claim that does not account for recent evidence

Literature cited by the submitters: PubMed 21228398 (cited by Labcorp Genetics (formerly Invitae), Labcorp); PubMed 23144622 (cited by Labcorp Genetics (formerly Invitae), Labcorp); PubMed 27084275 (cited by Labcorp Genetics (formerly Invitae), Labcorp).